The following is an entry in ClinVar:

NM_001127208.3(TET2):c.4538A>G (p.Glu1513Gly)

Genes: TET2 (tet methylcytosine dioxygenase 2; plus strand), TET2-AS1 (TET2 antisense RNA 1; minus strand). Cytogenetic location: 4q24.
Variant type: single nucleotide variant.
Coding change: c.4538A>G on transcript NM_001127208.3 (MANE Select); coding-DNA position 4538, A replaced by G.
Protein change: p.Glu1513Gly; replaces glutamic acid 1513 with glycine.
Molecular consequence: missense variant.
Genome position (GRCh38, 1-based): chr4:105,275,048, A>G. VCF-style: chr4-105275048-A-G. GRCh37 (hg19) VCF-style: chr4-106196205-A-G.
Other names: short protein forms E1513G.
Identifiers: ClinVar variation 3610561 (VCV003610561.2).
Genomic context (GRCh38, chr4:105,275,048, plus strand): 5'-CATAAAATAATCATCAACATCAAAGATACCTGTTTCTGTTCTCTCTTACCCTGTCCACAG[A>G]ACTTTTGCGACTTTCAGGACCAGTCATGCAGCAGTCCCAGCAGCCCCAGCCTCTACAGAA-3'
Protein context (NP_001120680.1, residues 1503-1523): ENASQAKQLA[Glu1513Gly]LLRLSGPVMQ

ClinVar aggregate classification (germline): Uncertain significance (1 of 4 stars; one submission).

Submission:

Labcorp Genetics (formerly Invitae), Labcorp
Classification: Uncertain significance. Last evaluated: 2025-07-07. Review status: criteria provided, single submitter. Criteria: Invitae Variant Classification Sherloc (09022015). Collection method: clinical testing. Allele origin: germline.
Comment: This sequence change replaces glutamic acid, which is acidic and polar, with glycine, which is neutral and non-polar, at codon 1513 of the TET2 protein (p.Glu1513Gly). This variant is present in population databases (rs553669299, gnomAD 0.07%). This variant has not been reported in the literature in individuals affected with TET2-related conditions. ClinVar contains an entry for this variant (Variation ID: 3610561). An algorithm developed to predict the effect of missense changes on protein structure and function (PolyPhen-2) suggests that this variant is likely to be tolerated. In summary, the available evidence is currently insufficient to determine the role of this variant in disease. Therefore, it has been classified as a Variant of Uncertain Significance.